The following is an entry in ClinVar:

ClinVar aggregate classification (germline): Likely pathogenic (1 of 4 stars; one submission).

Allele frequency attached by ClinVar (database versions not stated): gnomAD exomes below 0.00001; TOPMed 0.00001.
gnomAD v4.1: 1 of 1,608,732 alleles (0.000062%); highest among the groups gnomAD compares: Admixed American, 0.0017%; no homozygotes.

Submissions (2):

Labcorp Genetics (formerly Invitae), Labcorp
Classification: Likely pathogenic. Last evaluated: 2023-11-21. Review status: criteria provided, single submitter. Criteria: Invitae Variant Classification Sherloc (09022015). Collection method: clinical testing. Allele origin: germline.
Comment: This sequence change affects an acceptor splice site in intron 12 of the SKIV2L gene. It is expected to disrupt RNA splicing. Variants that disrupt the donor or acceptor splice site typically lead to a loss of protein function (PMID: 16199547), and loss-of-function variants in SKIV2L are known to be pathogenic (PMID: 22444670). This variant is present in population databases (no rsID available, gnomAD 0.003%). This variant has not been reported in the literature in individuals affected with SKIV2L-related conditions. Algorithms developed to predict the effect of sequence changes on RNA splicing suggest that this variant may disrupt the consensus splice site. In summary, the currently available evidence indicates that the variant is pathogenic, but additional data are needed to prove that conclusively. Therefore, this variant has been classified as Likely Pathogenic.

Dr. Peter K. Rogan Lab, Western University
No classification provided (evidence only). Condition: Ovarian serous cystadenocarcinoma. Review status: no classification provided. Collection method: in vitro. Allele origin: not applicable. Functional consequence: retained intron. Not counted in ClinVar's aggregate classification.

Literature cited by the submitters: PubMed 16199547 (cited by Labcorp Genetics (formerly Invitae), Labcorp); PubMed 22444670 (cited by Labcorp Genetics (formerly Invitae), Labcorp).

NM_006929.5(SKIC2):c.1297-1G>A

Gene: SKIC2 (SKI2 subunit of superkiller complex; plus strand). Cytogenetic location: 6p21.33.
Variant type: single nucleotide variant.
Coding change: c.1297-1G>A on transcript NM_006929.5 (MANE Select); the canonical splice acceptor site of the intron before coding-DNA position 1297, G replaced by A.
Molecular consequence: splice acceptor variant.
Genome position (GRCh38, 1-based): chr6:31,962,984, G>A. VCF-style: chr6-31962984-G-A. GRCh37 (hg19) VCF-style: chr6-31930761-G-A.
Identifiers: ClinVar variation 3021345 (VCV003021345.4), dbSNP rs1375849231, ClinGen allele CA363455326.